The following is an entry in ClinVar:

ClinVar aggregate classification (germline): Uncertain significance (1 of 4 stars; one submission).

gnomAD v4.1: 5 of 1,614,018 alleles (0.00031%); highest among the groups gnomAD compares: Non-Finnish European, 0.00042%; no homozygotes.

Submission:

Labcorp Genetics (formerly Invitae), Labcorp
Classification: Uncertain significance. Last evaluated: 2026-01-02. Review status: criteria provided, single submitter. Criteria: Invitae Variant Classification Sherloc (09022015). Collection method: clinical testing. Allele origin: germline.
Comment: This sequence change replaces leucine, which is neutral and non-polar, with phenylalanine, which is neutral and non-polar, at codon 27 of the OR2W3 protein (p.Leu27Phe). This variant is present in population databases (rs766660661, gnomAD 0.0009%). This variant has not been reported in the literature in individuals affected with OR2W3-related conditions. An algorithm developed to predict the effect of missense changes on protein structure and function outputs the following: PolyPhen-2: "Probably Damaging". The phenylalanine amino acid residue is found in multiple mammalian species, which suggests that this missense change does not adversely affect protein function. In summary, the available evidence is currently insufficient to determine the role of this variant in disease. Therefore, it has been classified as a Variant of Uncertain Significance.

NM_001001957.2(OR2W3):c.79C>T (p.Leu27Phe)

Gene: OR2W3 (olfactory receptor family 2 subfamily W member 3; plus strand). Cytogenetic location: 1q44.
Variant type: single nucleotide variant.
Coding change: c.79C>T on transcript NM_001001957.2 (MANE Select); coding-DNA position 79, C replaced by T.
Protein change: p.Leu27Phe; replaces leucine 27 with phenylalanine.
Molecular consequence: missense variant.
Genome position (GRCh38, 1-based): chr1:247,895,665, C>T. VCF-style: chr1-247895665-C-T. GRCh37 (hg19) VCF-style: chr1-248058967-C-T.
Other names: short protein forms L27F.
Identifiers: ClinVar variation 4695560 (VCV004695560.1).